The following is an entry in ClinVar:

NM_001372044.2(SHANK3):c.383A>G (p.Tyr128Cys)

Gene: SHANK3 (SH3 and multiple ankyrin repeat domains 3; plus strand). Cytogenetic location: 22q13.33.
Variant type: single nucleotide variant.
Coding change: c.383A>G on transcript NM_001372044.2 (MANE Select); coding-DNA position 383, A replaced by G.
Protein change: p.Tyr128Cys; replaces tyrosine 128 with cysteine.
Molecular consequence: missense variant.
Genome position (GRCh38, 1-based): chr22:50,675,142, A>G. VCF-style: chr22-50675142-A-G. GRCh37 (hg19) VCF-style: chr22-51113570-A-G.
Other names: c.158A>G (NM_033517.1); short protein forms Y128C.
Identifiers: ClinVar variation 3795540 (VCV003795540.2).
Genomic context (GRCh38, chr22:50,675,142, plus strand): 5'-GGGCCGCCAAGCAGCGCGTGCTCTGCGCCCTCAACCACAGCCTCCAGGACGCGCTCAACT[A>G]TGGGCTTTTCCAGCCGCCCTCCCGGGGCCGCGCCGGCAAGTTCCTGGATGAGGAGCGGCT-3'
Protein context (NP_001358973.1, residues 118-138): LNHSLQDALN[Tyr128Cys]GLFQPPSRGR

ClinVar aggregate classification (germline): Uncertain significance (1 of 4 stars; one submission).

Conditions:
Inborn genetic diseases. Identifiers: MedGen C0950123, MeSH D030342.

Submission:

Ambry Genetics
Classification: Uncertain significance for Inborn genetic diseases. Last evaluated: 2025-03-21. Review status: criteria provided, single submitter. Criteria: Ambry Variant Classification Scheme 2023. Collection method: clinical testing. Allele origin: germline.
Comment: The c.158A>G (p.Y53C) alteration is located in exon 2 (coding exon 2) of the SHANK3 gene. This alteration results from a A to G substitution at nucleotide position 158, causing the tyrosine (Y) at amino acid position 53 to be replaced by a cysteine (C). This variant corresponds to c.383A>G, (p.Y128C) in alternate transcript NM_001372044.2. This variant was not reported in population-based cohorts in the Genome Aggregation Database (gnomAD). This amino acid position is highly conserved in available vertebrate species. Based on insufficient or conflicting evidence, the clinical significance of this alteration remains unclear.